The following is an entry in ClinVar:

ClinVar aggregate classification (germline): Uncertain significance (1 of 4 stars; one submission).

Allele frequency attached by ClinVar (database versions not stated): gnomAD exomes below 0.00001.
gnomAD v4.1: 3 of 1,614,010 alleles (0.00019%); highest among the groups gnomAD compares: Admixed American, 0.0033%; 1 homozygote.

Submission:

Labcorp Genetics (formerly Invitae), Labcorp
Classification: Uncertain significance. Last evaluated: 2022-03-20. Review status: criteria provided, single submitter. Criteria: Invitae Variant Classification Sherloc (09022015). Collection method: clinical testing. Allele origin: germline.
Comment: This sequence change falls in intron 4 of the USH1C gene. It does not directly change the encoded amino acid sequence of the USH1C protein. It affects a nucleotide within the consensus splice site. This variant is not present in population databases (gnomAD no frequency). This variant has not been reported in the literature in individuals affected with USH1C-related conditions. Variants that disrupt the consensus splice site are a relatively common cause of aberrant splicing (PMID: 17576681, 9536098). Algorithms developed to predict the effect of sequence changes on RNA splicing suggest that this variant is not likely to affect RNA splicing. In summary, the available evidence is currently insufficient to determine the role of this variant in disease. Therefore, it has been classified as a Variant of Uncertain Significance.

Literature cited by the submitters: PubMed 17576681; PubMed 9536098.

NM_153676.4(USH1C):c.387+6C>A

Gene: USH1C (USH1 protein network component harmonin; minus strand). Cytogenetic location: 11p15.1.
Variant type: single nucleotide variant.
Coding change: c.387+6C>A on transcript NM_153676.4 (MANE Select); 6 bases into the intron after coding-DNA position 387, C replaced by A.
Molecular consequence: intron variant.
Genome position (GRCh38, 1-based): chr11:17,531,148, G>T on the plus strand (C>A on the coding strand, the complement: USH1C is on the minus strand). VCF-style: chr11-17531148-G-T. GRCh37 (hg19) VCF-style: chr11-17552695-G-T.
Other names: c.387+6C>A (NM_001297764.2, NM_005709.4).
Identifiers: ClinVar variation 2092805 (VCV002092805.1), dbSNP rs1850950543, ClinGen allele CA2580082794.
Genomic context (GRCh38, chr11:17,531,148, plus strand): 5'-ATGAATGAGGGGGAGGCAGGAGGTCCGAGGCCCTCGCTCCCCCTCCCCCGGACTCTGTTT[G>T]CTCACCTGGAGCCCGACGCTGTCTGCCTGACCGCCTTTGATGAGGTGGGAGATGAAGAGC-3'